The following is an entry in ClinVar:

NM_001366110.1(PAX4):c.313C>T (p.Arg105Cys)

Gene: PAX4 (paired box 4; minus strand). Cytogenetic location: 7q32.1.
Variant type: single nucleotide variant.
Coding change: c.313C>T on transcript NM_001366110.1 (MANE Select); coding-DNA position 313, C replaced by T.
Protein change: p.Arg105Cys; replaces arginine 105 with cysteine.
Molecular consequence: missense variant.
Genome position (GRCh38, 1-based): chr7:127,614,927, G>A on the plus strand (C>T on the coding strand, the complement: PAX4 is on the minus strand). VCF-style: chr7-127614927-G-A. GRCh37 (hg19) VCF-style: chr7-127254981-G-A.
Other names: NM_006193.2:c.289C>T; c.313C>T, p.Arg105Cys (NM_001366111.1); short protein forms R105C.
Identifiers: ClinVar variation 358806 (VCV000358806.60), dbSNP rs144792551, ClinGen allele CA4468141.

ClinVar aggregate classification (germline): Conflicting classifications of pathogenicity. Review status: criteria provided, conflicting classifications (1 of 4 stars). 6 submissions from 6 submitters: Uncertain significance (4); Likely benign (2). Last evaluated 2026-03-27.

Conditions:
PAX4-related disorder. Also called: PAX4-related condition.
Monogenic diabetes. Identifiers: Orphanet 183625, MedGen C3888631, MONDO:0015967.

Allele frequency attached by ClinVar (database versions not stated): 1000 Genomes Project 30x 0.00031; 1000 Genomes Project 0.00040; ExAC 0.00064; gnomAD exomes 0.00066 and 0.00117; TOPMed 0.00072; gnomAD 0.00074 and 0.00078; ESP Exome Variant Server 0.00131.
gnomAD v4.1: 1,814 of 1,614,152 alleles (0.11%); highest among the groups gnomAD compares: South Asian, 0.14%; 3 homozygotes.

Submissions (6):

PreventionGenetics, part of Exact Sciences
Classification: Uncertain significance for PAX4-related condition. Last evaluated: 2026-03-27. Review status: criteria provided, single submitter. Criteria: ACMG Guidelines, 2015. Collection method: clinical testing. Allele origin: germline.
Comment: The PAX4 c.289C>T variant is predicted to result in the amino acid substitution p.Arg97Cys. To our knowledge, this variant has not been reported in the literature. This variant is reported in 0.15% of alleles in individuals of South Asian descent in gnomAD. Although we suspect that this variant may be benign, at this time, the clinical significance of this variant is uncertain due to the absence of conclusive functional and genetic evidence.

Labcorp Genetics (formerly Invitae), Labcorp
Classification: Uncertain significance. Last evaluated: 2026-01-21. Review status: criteria provided, single submitter. Criteria: Invitae Variant Classification Sherloc (09022015). Collection method: clinical testing. Allele origin: germline.
Comment: This sequence change replaces arginine, which is basic and polar, with cysteine, which is neutral and slightly polar, at codon 97 of the PAX4 protein (p.Arg97Cys). This variant is present in population databases (rs144792551, gnomAD 0.1%), and has an allele count higher than expected for a pathogenic variant. This variant has not been reported in the literature in individuals affected with PAX4-related conditions. ClinVar contains an entry for this variant (Variation ID: 358806). An algorithm developed to predict the effect of missense changes on protein structure and function (PolyPhen-2) suggests that this variant is likely to be disruptive. Algorithms developed to predict the effect of sequence changes on RNA splicing suggest that this variant may disrupt the consensus splice site. In summary, the available evidence is currently insufficient to determine the role of this variant in disease. Therefore, it has been classified as a Variant of Uncertain Significance.

Blueprint Genetics
Classification: Likely benign. Last evaluated: 2024-11-06. Review status: criteria provided, single submitter. Criteria: ACMG Guidelines, 2015. Collection method: clinical testing. Allele origin: germline.

CeGaT Center for Human Genetics Tuebingen
Classification: Uncertain significance. Last evaluated: 2019-05-01. Review status: criteria provided, single submitter. Criteria: CeGaT Center For Human Genetics Tuebingen Variant Classification Criteria Version 2. Collection method: clinical testing. Allele origin: germline. Affected: yes. Observed: 3 variant alleles.

Personalized Diabetes Medicine Program, University of Maryland School of Medicine
Classification: Likely benign for Monogenic diabetes. Last evaluated: 2017-09-01. Review status: criteria provided, single submitter. Criteria: ACMG Guidelines, 2015. Collection method: research. Allele origin: unknown. Observed: 3 variant alleles, 3 heterozygotes. Study: Personalized Diabetes Medicine Program.
Comment: ACMG Criteria:PP3 (8 predictors), BP4 (2 predictors),BS2 (10 cases and 8 controls in an online resource). NOTE: Illumina and Chicago call it a VUS.

Genetic Services Laboratory, University of Chicago
Classification: Uncertain significance. Last evaluated: 2017-01-03. Review status: criteria provided, single submitter. Criteria: ACMG Guidelines, 2015. Collection method: clinical testing. Allele origin: germline. Affected: no.